The following is an entry in ClinVar:

ClinVar aggregate classification (germline): Pathogenic (1 of 4 stars; one submission).

Conditions:
Fanconi anemia (FA). Also called: Fanconi's anemia. Identifiers: Orphanet 84, MedGen C0015625, MeSH D005199, MONDO:0019391.

Submission:

Labcorp Genetics (formerly Invitae), Labcorp
Classification: Pathogenic for Fanconi anemia. Last evaluated: 2023-12-18. Review status: criteria provided, single submitter. Criteria: Invitae Variant Classification Sherloc (09022015). Collection method: clinical testing. Allele origin: germline.
Comment: This sequence change creates a premature translational stop signal (p.Ser1322Argfs*54) in the SLX4 gene. It is expected to result in an absent or disrupted protein product. Loss-of-function variants in SLX4 are known to be pathogenic (PMID: 21240277). This variant is not present in population databases (gnomAD no frequency). This variant has not been reported in the literature in individuals affected with SLX4-related conditions. For these reasons, this variant has been classified as Pathogenic.

Literature cited by the submitters: PubMed 21240277.

NM_032444.4(SLX4):c.3961_3962dup (p.Ser1322fs)

Gene: SLX4 (SLX4 structure-specific endonuclease subunit; minus strand). Cytogenetic location: 16p13.3.
Variant type: Duplication.
Coding change: c.3961_3962dup on transcript NM_032444.4 (MANE Select); coding-DNA positions 3961 to 3962, 2 bases duplicated (CC; older notation c.3961_3962dupCC).
Protein change: p.Ser1322fs; shifts the reading frame from serine 1322.
Molecular consequence: frameshift variant.
Genome position (GRCh38, 1-based): chr16:3,589,676-3,589,677, GG duplicated on the plus strand (CC on the coding strand, the reverse complement: SLX4 is on the minus strand). VCF-style (leftmost placement, unchanged base first): chr16-3589675-C-CGG. GRCh37 (hg19) VCF-style: chr16-3639676-C-CGG.
Other names: short protein forms S1322fs.
Identifiers: ClinVar variation 2703851 (VCV002703851.3), dbSNP rs2548211822, ClinGen allele CA2697549646.
Genomic context (GRCh38, chr16:3,589,675, plus strand): 5'-TCTGTGGCCTTGCCTTCTGCCGTCAGAAGTTCCTGGAGAGACGGGAGTGAGGCATGAGGA[C>CGG]GGTGTCTGGGGCGGTGGTGTCTGGGGCCTGATGACAGAAAACTTCTGTGCGACTTCGTTC-3'